The following is an entry in ClinVar:

ClinVar aggregate classification (germline): Uncertain significance (1 of 4 stars; one submission).

Conditions:
Gastrointestinal stromal tumor. Also called: Gastrointestinal stroma tumor; Gastrointestinal stromal tumor, somatic. Identifiers: Orphanet 44890, MedGen C0238198, MeSH D046152, MONDO:0011719, OMIM 606764, HP:0100723.

Submission:

Labcorp Genetics (formerly Invitae), Labcorp
Classification: Uncertain significance for Gastrointestinal stromal tumor. Last evaluated: 2021-06-07. Review status: criteria provided, single submitter. Criteria: Invitae Variant Classification Sherloc (09022015). Collection method: clinical testing. Allele origin: germline.
Comment: This sequence change replaces valine with phenylalanine at codon 560 of the KIT protein (p.Val560Phe). The valine residue is highly conserved and there is a small physicochemical difference between valine and phenylalanine. This variant is not present in population databases (ExAC no frequency). This variant has not been reported in the literature in individuals with KIT-related conditions. Algorithms developed to predict the effect of missense changes on protein structure and function are either unavailable or do not agree on the potential impact of this missense change (SIFT: "Deleterious"; PolyPhen-2: "Probably Damaging"; Align-GVGD: "Class C0"). In summary, the available evidence is currently insufficient to determine the role of this variant in disease. Therefore, it has been classified as a Variant of Uncertain Significance.

NM_000222.3(KIT):c.1678G>T (p.Val560Phe)

Gene: KIT (KIT proto-oncogene, receptor tyrosine kinase; plus strand). Cytogenetic location: 4q12.
Variant type: single nucleotide variant.
Coding change: c.1678G>T on transcript NM_000222.3 (MANE Select); coding-DNA position 1678, G replaced by T.
Protein change: p.Val560Phe; replaces valine 560 with phenylalanine.
Molecular consequence: missense variant.
Genome position (GRCh38, 1-based): chr4:54,727,446, G>T. VCF-style: chr4-54727446-G-T. GRCh37 (hg19) VCF-style: chr4-55593612-G-T.
Other names: c.1666G>T, p.Val556Phe (NM_001093772.2, NM_001385286.1); c.1681G>T, p.Val561Phe (NM_001385284.1, NM_001385290.1); c.1678G>T, p.Val560Phe (NM_001385285.1); c.1669G>T, p.Val557Phe (NM_001385288.1, NM_001385292.1); short protein forms V556F, V561F, V557F, V560F.
Identifiers: ClinVar variation 1359750 (VCV001359750.8), dbSNP rs1577994961, ClinGen allele CA356907474.